The following is an entry in ClinVar:

NM_003052.5(SLC34A1):c.620C>T (p.Ala207Val)

Gene: SLC34A1 (solute carrier family 34 member 1; plus strand). Cytogenetic location: 5q35.3.
Variant type: single nucleotide variant.
Coding change: c.620C>T on transcript NM_003052.5 (MANE Select); coding-DNA position 620, C replaced by T.
Protein change: p.Ala207Val; replaces alanine 207 with valine.
Molecular consequence: missense variant.
Genome position (GRCh38, 1-based): chr5:177,387,849, C>T. VCF-style: chr5-177387849-C-T. GRCh37 (hg19) VCF-style: chr5-176814850-C-T.
Other names: c.620C>T, p.Ala207Val (NM_001167579.2); short protein forms A207V.
Identifiers: ClinVar variation 2634677 (VCV002634677.5), dbSNP rs916622007, ClinGen allele CA132879142.
Genomic context (GRCh38, chr5:177,387,849, plus strand): 5'-TCATCATGGGCTCCAACATCGGCACCTCTGTCACCAACACCATCGTGGCCCTGATGCAGG[C>T]GGGGGACAGGACTGACTTCCGGCGGTGAGGGGGGCTGGGGGTTGGGGGCTCGTGCCTGGG-3'
Protein context (NP_003043.3, residues 197-217): VTNTIVALMQ[Ala207Val]GDRTDFRRAF

ClinVar aggregate classification (germline): Uncertain significance. Review status: criteria provided, multiple submitters, no conflicts (2 of 4 stars). 2 submissions from 2 submitters: Uncertain significance (2). Last evaluated 2025-05-21.

Conditions:
SLC34A1-related disorder. Also called: SLC34A1-related condition; SLC34A1-related disorders.

Allele frequency attached by ClinVar (database versions not stated): gnomAD 0.00004.

Submissions (2):

PreventionGenetics, part of Exact Sciences
Classification: Uncertain significance for SLC34A1-related condition. Last evaluated: 2025-05-21. Review status: criteria provided, single submitter. Criteria: ACMG Guidelines, 2015. Collection method: clinical testing. Allele origin: germline.
Comment: The SLC34A1 c.620C>T variant is predicted to result in the amino acid substitution p.Ala207Val. To our knowledge, this variant has not been reported in the literature or in a large population database (gnomAD), indicating this variant is rare. At this time, the clinical significance of this variant is uncertain due to the absence of conclusive functional and genetic evidence.

GeneDx
Classification: Uncertain significance. Last evaluated: 2024-12-09. Review status: criteria provided, single submitter. Criteria: GeneDx Variant Classification Process June 2021. Collection method: clinical testing. Allele origin: germline. Affected: yes.
Comment: Not observed at significant frequency in large population cohorts (gnomAD); In silico analysis supports that this missense variant has a deleterious effect on protein structure/function; In silico analysis supports a deleterious effect on splicing; Has not been previously published as pathogenic or benign to our knowledge